The following is an entry in ClinVar:

NM_000257.4(MYH7):c.3887C>A (p.Ala1296Glu)

Gene: MYH7 (myosin heavy chain 7; minus strand). Cytogenetic location: 14q11.2.
Variant type: single nucleotide variant.
Coding change: c.3887C>A on transcript NM_000257.4 (MANE Select); coding-DNA position 3887, C replaced by A.
Protein change: p.Ala1296Glu; replaces alanine 1296 with glutamic acid.
Molecular consequence: missense variant.
Genome position (GRCh38, 1-based): chr14:23,419,262, G>T on the plus strand (C>A on the coding strand, the complement: MYH7 is on the minus strand). VCF-style: chr14-23419262-G-T. GRCh37 (hg19) VCF-style: chr14-23888471-G-T.
Other names: c.3887C>A, p.Ala1296Glu (NM_001407004.1); short protein forms A1296E.
Identifiers: ClinVar variation 3074182 (VCV003074182.1), dbSNP rs2502260497, ClinGen allele CA389041701.

ClinVar aggregate classification (germline): Uncertain significance (1 of 4 stars; one submission).

Conditions:
Cardiomyopathy (CMYO). Also called: Cardiomyopathies. Identifiers: Orphanet 167848, MedGen C0878544, MONDO:0004994, HP:0001638. Inheritance: Various modes of inheritance.

Submission:

All of Us Research Program, National Institutes of Health
Classification: Uncertain significance for Cardiomyopathy. Last evaluated: 2023-12-01. Review status: criteria provided, single submitter. Criteria: ACMG Guidelines, 2015. Collection method: clinical testing. Allele origin: germline. Inheritance: Autosomal dominant inheritance. Observed: 1 variant allele, 1 heterozygote.
Comment: This study involves interpretation of variants in research participants for the purpose of population health screening. Participant phenotype was not available at the time of variant classification. Additional details can be found in publication PMID: 35346344, PMCID: PMC8962531